The following is an entry in ClinVar:

ClinVar aggregate classification (germline): Pathogenic (1 of 4 stars; one submission).

Conditions:
Hyperinsulinemic hypoglycemia, familial, 1 (HHF1). Also called: HYPERINSULINISM, FAMILIAL, WITH PANCREATIC NESIDIOBLASTOSIS; HYPOGLYCEMIA, HYPERINSULINEMIC, OF INFANCY; NESIDIOBLASTOSIS OF PANCREAS; Persistent Hyperinsulinemia Hypoglycemia of Infancy; Persistent hyperinsulinemic hypoglycemia of infancy. Identifiers: Orphanet 276575, Orphanet 276598, MedGen C2931832, MONDO:0009734, OMIM 256450.

Submission:

Myriad Genetics, Inc.
Classification: Pathogenic for Hyperinsulinemic hypoglycemia, familial, 1. Last evaluated: 2024-01-21. Review status: criteria provided, single submitter. Criteria: Myriad Autosomal Dominant, Autosomal Recessive and X-Linked Classification Criteria (2023). Collection method: clinical testing. Allele origin: unknown.
Comment: NM_000352.3(ABCC8):c.2065delA(T689Pfs*20) is expected to be pathogenic in the context of familial hyperinsulinism, ABCC8-related. This variant is predicted to lead to an abnormal or absent protein product due to the creation of a premature termination codon in ABCC8, a gene where loss-of-function variants are known to be pathogenic. Please note: this variant was assessed in the context of healthy population screening.

NM_000352.6(ABCC8):c.2065del (p.Thr689fs)

Gene: ABCC8 (ATP binding cassette subfamily C member 8; minus strand). Cytogenetic location: 11p15.1.
Variant type: Deletion.
Coding change: c.2065del on transcript NM_000352.6 (MANE Select); coding-DNA position 2065, one base deleted (A; older notation c.2065delA).
Protein change: p.Thr689fs; shifts the reading frame from threonine 689.
Molecular consequence: frameshift variant. On other transcripts: non-coding transcript variant (1).
Genome position (GRCh38, 1-based): chr11:17,427,918, T deleted on the plus strand (A on the coding strand, the reverse complement: ABCC8 is on the minus strand). VCF-style (leftmost placement, unchanged base first): chr11-17427917-GT-G. GRCh37 (hg19) VCF-style: chr11-17449464-GT-G.
Other names: c.2065del, p.Thr689fs (NM_001287174.3); c.2131del, p.Thr711fs (NM_001351295.2); c.2062del, p.Thr688fs (NM_001351296.2, NM_001351297.2); short protein forms T688fs, T689fs, T711fs.
Identifiers: ClinVar variation 5012662 (VCV005012662.1).
Genomic context (GRCh38, chr11:17,427,917, plus strand): 5'-TGGGCCATACCTCGGGGGATACGAATGGTGATGTTGGACAGTGTGGGGATTCCATCTGGG[GT>G]CCACGTGAAGTAGCCTCCCATGATCTTCATTAGGCGTGTCCCACCGCCCAGGAGAGAACA-3'